The following is an entry in ClinVar:

ClinVar aggregate classification (germline): Uncertain significance (1 of 4 stars; one submission).

Submission:

CeGaT Center for Human Genetics Tuebingen
Classification: Uncertain significance. Last evaluated: 2022-10-01. Review status: criteria provided, single submitter. Criteria: CeGaT Center For Human Genetics Tuebingen Variant Classification Criteria Version 2. Collection method: clinical testing. Allele origin: germline. Affected: yes. Observed: 1 variant allele.
Comment: RELN: PM2, PP3

NM_005045.4(RELN):c.10250A>G (p.Gln3417Arg)

Genes: RELN (reelin; minus strand), SLC26A5-AS1 (SLC26A5 antisense RNA 1; plus strand). Cytogenetic location: 7q22.1.
Variant type: single nucleotide variant.
Coding change: c.10250A>G on transcript NM_005045.4 (MANE Select); coding-DNA position 10250, A replaced by G.
Protein change: p.Gln3417Arg; replaces glutamine 3417 with arginine.
Molecular consequence: missense variant.
Genome position (GRCh38, 1-based): chr7:103,482,903, T>C on the plus strand (A>G on the coding strand, the complement: RELN is on the minus strand). VCF-style: chr7-103482903-T-C. GRCh37 (hg19) VCF-style: chr7-103123350-T-C.
Other names: c.10250A>G, p.Gln3417Arg (NM_173054.3); short protein forms Q3417R.
Identifiers: ClinVar variation 2657889 (VCV002657889.24), dbSNP rs2485686474, ClinGen allele CA368737391.